The following is an entry in ClinVar:

ClinVar aggregate classification (germline): Uncertain significance. Review status: criteria provided, multiple submitters, no conflicts (2 of 4 stars). 3 submissions from 3 submitters: Uncertain significance (2). 1 of the submissions does not count toward it. Last evaluated 2020-07-25.

Conditions:
Hereditary cancer-predisposing syndrome. Also called: Tumor predisposition; Hereditary Cancer Syndrome; Neoplastic Syndromes, Hereditary; Hereditary neoplastic syndrome. Identifiers: Orphanet 140162, MedGen C0027672, MeSH D009386, MONDO:0015356.
Familial cancer of breast. Also called: BREAST CANCER, FAMILIAL; Hereditary breast cancer; hereditary breast carcinoma. Identifiers: Orphanet 227535, MedGen C0346153, MONDO:0016419, OMIM 114480. Disease mechanism: loss of function.

Allele frequency attached by ClinVar (database versions not stated): gnomAD exomes below 0.00001.
gnomAD v4.1: 2 of 1,614,062 alleles (0.00012%); highest among the groups gnomAD compares: Non-Finnish European, 0.00017%; no homozygotes.

Submissions (3):

Labcorp Genetics (formerly Invitae), Labcorp
Classification: Uncertain significance for Familial cancer of breast. Last evaluated: 2020-07-25. Review status: criteria provided, single submitter. Criteria: Invitae Variant Classification Sherloc (09022015). Collection method: clinical testing. Allele origin: germline.
Comment: This sequence change replaces proline with leucine at codon 286 of the PALB2 protein (p.Pro286Leu). The proline residue is weakly conserved and there is a moderate physicochemical difference between proline and leucine. This variant is not present in population databases (ExAC no frequency). This variant has not been reported in the literature in individuals with PALB2-related conditions. ClinVar contains an entry for this variant (Variation ID: 822579). Algorithms developed to predict the effect of missense changes on protein structure and function are either unavailable or do not agree on the potential impact of this missense change (SIFT: "Deleterious"; PolyPhen-2: "Benign"; Align-GVGD: "Class C0"). In summary, the available evidence is currently insufficient to determine the role of this variant in disease. Therefore, it has been classified as a Variant of Uncertain Significance.

Ambry Genetics
Classification: Uncertain significance for Hereditary cancer-predisposing syndrome. Last evaluated: 2018-11-08. Review status: criteria provided, single submitter. Criteria: Ambry Variant Classification Scheme 2023. Collection method: clinical testing. Allele origin: germline.
Comment: The p.P286L variant (also known as c.857C>T), located in coding exon 4 of the PALB2 gene, results from a C to T substitution at nucleotide position 857. The proline at codon 286 is replaced by leucine, an amino acid with similar properties. This alteration was not observed in 53 Japanese male breast cancer cases and was observed with an allele frequency of 0.001 in 12490 healthy controls (Momozawa Y et al. Nat Commun, 2018 Oct;9:4083). This amino acid position is not well conserved in available vertebrate species. In addition, this alteration is predicted to be tolerated by in silico analysis. Since supporting evidence is limited at this time, the clinical significance of this alteration remains unclear.

Leiden Open Variation Database
Classification: Uncertain significance. Last evaluated: 2018-08-25. Review status: no assertion criteria provided. Collection method: curation. Allele origin: germline. Affected: yes. Not counted in ClinVar's aggregate classification.
Comment: Curators: Marc Tischkowitz, Arleen D. Auerbach. Submitter to LOVD: Yukihide Momozawa.

Literature cited by the submitters: PubMed 30287823 (cited by Ambry Genetics and Leiden Open Variation Database).

NM_024675.4(PALB2):c.857C>T (p.Pro286Leu)

Gene: PALB2 (partner and localizer of BRCA2; minus strand). Cytogenetic location: 16p12.2.
Variant type: single nucleotide variant.
Coding change: c.857C>T on transcript NM_024675.4 (MANE Select); coding-DNA position 857, C replaced by T.
Protein change: p.Pro286Leu; replaces proline 286 with leucine.
Molecular consequence: missense variant.
Genome position (GRCh38, 1-based): chr16:23,635,689, G>A on the plus strand (C>T on the coding strand, the complement: PALB2 is on the minus strand). VCF-style: chr16-23635689-G-A. GRCh37 (hg19) VCF-style: chr16-23647010-G-A.
Other names: short protein forms P286L.
Identifiers: ClinVar variation 822579 (VCV000822579.15), dbSNP rs1597098031, ClinGen allele CA395135843.